The following is an entry in ClinVar:

ClinVar aggregate classification (germline): Benign/Likely benign. Review status: criteria provided, multiple submitters, no conflicts (2 of 4 stars). 6 submissions from 6 submitters: Benign (4); Likely benign (1). 1 of the submissions does not count toward it. Last evaluated 2026-02-04.

Conditions:
JAK1-related disorder. Also called: JAK1-related condition.

Allele frequency attached by ClinVar (database versions not stated): 1000 Genomes Project 0.03874; 1000 Genomes Project 30x 0.03935; ESP Exome Variant Server 0.04465; gnomAD 0.05252 and 0.05314; TOPMed 0.05741; ExAC 0.06149; gnomAD exomes 0.06528 and 0.06665.
gnomAD v4.1: 102,932 of 1,613,920 alleles (6.4%); highest among the groups gnomAD compares: Admixed American, 16%; 4,065 homozygotes.

Submissions 1 to 31 of 57:

Labcorp Genetics (formerly Invitae), Labcorp
Classification: Benign. Last evaluated: 2026-02-04. Review status: criteria provided, single submitter. Criteria: Invitae Variant Classification Sherloc (09022015). Collection method: clinical testing. Allele origin: germline.

Blueprint Genetics
Classification: Likely benign. Last evaluated: 2024-11-26. Review status: criteria provided, single submitter. Criteria: ACMG Guidelines, 2015. Collection method: clinical testing. Allele origin: germline.

Unidad de Genómica Garrahan, Hospital de Pediatría Garrahan
Classification: Benign. Last evaluated: 2023-11-12. Review status: criteria provided, single submitter. Criteria: ACMG Guidelines, 2015. Collection method: clinical testing. Allele origin: germline. Affected: no. Observed: 26 variant alleles.
Comment: This variant is classified as Benign based on local population frequency. This variant was detected in 27% of patients studied by a panel of primary immunodeficiencies. Number of patients: 26. Only high quality variants are reported.

Mayo Clinic Laboratories, Mayo Clinic
Classification: Benign. Last evaluated: 2023-04-16. Review status: criteria provided, single submitter. Criteria: ACMG Guidelines, 2015. Collection method: clinical testing. Allele origin: germline. Observed: 66 variant alleles.

Breakthrough Genomics
Classification: Benign. Review status: criteria provided, single submitter. Criteria: ACMG Guidelines, 2015. Collection method: not provided. Allele origin: germline. Inheritance: Autosomal dominant inheritance. Affected: yes.

PreventionGenetics, part of Exact Sciences
Classification: Benign for JAK1-related condition. Last evaluated: 2019-06-27. Review status: no assertion criteria provided. Collection method: clinical testing. Allele origin: germline. Not counted in ClinVar's aggregate classification.
Comment: This variant is classified as benign based on ACMG/AMP sequence variant interpretation guidelines (Richards et al. 2015 PMID: 25741868, with internal and published modifications).

Dr. Peter K. Rogan Lab, Western University
No classification provided (evidence only). Condition: Uterine corpus endometrial carcinoma. Review status: no classification provided. Collection method: in vitro. Allele origin: not applicable. Functional consequence: retained intron. Not counted in ClinVar's aggregate classification.

Dr. Peter K. Rogan Lab, Western University
No classification provided (evidence only). Condition: Uterine corpus endometrial carcinoma. Review status: no classification provided. Collection method: in vitro. Allele origin: not applicable. Functional consequence: retained intron. Not counted in ClinVar's aggregate classification.

Dr. Peter K. Rogan Lab, Western University
No classification provided (evidence only). Condition: Uterine corpus endometrial carcinoma. Review status: no classification provided. Collection method: in vitro. Allele origin: not applicable. Functional consequence: retained intron. Not counted in ClinVar's aggregate classification.

Dr. Peter K. Rogan Lab, Western University
No classification provided (evidence only). Condition: Uterine corpus endometrial carcinoma. Review status: no classification provided. Collection method: in vitro. Allele origin: not applicable. Functional consequence: retained intron. Not counted in ClinVar's aggregate classification.

Dr. Peter K. Rogan Lab, Western University
No classification provided (evidence only). Condition: Uterine corpus endometrial carcinoma. Review status: no classification provided. Collection method: in vitro. Allele origin: not applicable. Functional consequence: retained intron. Not counted in ClinVar's aggregate classification.

Dr. Peter K. Rogan Lab, Western University
No classification provided (evidence only). Condition: Uterine corpus endometrial carcinoma. Review status: no classification provided. Collection method: in vitro. Allele origin: not applicable. Functional consequence: retained intron. Not counted in ClinVar's aggregate classification.

Dr. Peter K. Rogan Lab, Western University
No classification provided (evidence only). Condition: Sarcoma. Review status: no classification provided. Collection method: in vitro. Allele origin: not applicable. Functional consequence: retained intron. Not counted in ClinVar's aggregate classification.

Dr. Peter K. Rogan Lab, Western University
No classification provided (evidence only). Condition: Sarcoma. Review status: no classification provided. Collection method: in vitro. Allele origin: not applicable. Functional consequence: retained intron. Not counted in ClinVar's aggregate classification.

Dr. Peter K. Rogan Lab, Western University
No classification provided (evidence only). Condition: Sarcoma. Review status: no classification provided. Collection method: in vitro. Allele origin: not applicable. Functional consequence: retained intron. Not counted in ClinVar's aggregate classification.

Dr. Peter K. Rogan Lab, Western University
No classification provided (evidence only). Condition: Sarcoma. Review status: no classification provided. Collection method: in vitro. Allele origin: not applicable. Functional consequence: retained intron. Not counted in ClinVar's aggregate classification.

Dr. Peter K. Rogan Lab, Western University
No classification provided (evidence only). Condition: Sarcoma. Review status: no classification provided. Collection method: in vitro. Allele origin: not applicable. Functional consequence: retained intron. Not counted in ClinVar's aggregate classification.

Dr. Peter K. Rogan Lab, Western University
No classification provided (evidence only). Condition: Sarcoma. Review status: no classification provided. Collection method: in vitro. Allele origin: not applicable. Functional consequence: retained intron. Not counted in ClinVar's aggregate classification.

Dr. Peter K. Rogan Lab, Western University
No classification provided (evidence only). Condition: Sarcoma. Review status: no classification provided. Collection method: in vitro. Allele origin: not applicable. Functional consequence: retained intron. Not counted in ClinVar's aggregate classification.

Dr. Peter K. Rogan Lab, Western University
No classification provided (evidence only). Condition: Sarcoma. Review status: no classification provided. Collection method: in vitro. Allele origin: not applicable. Functional consequence: retained intron. Not counted in ClinVar's aggregate classification.

Dr. Peter K. Rogan Lab, Western University
No classification provided (evidence only). Condition: Sarcoma. Review status: no classification provided. Collection method: in vitro. Allele origin: not applicable. Functional consequence: retained intron. Not counted in ClinVar's aggregate classification.

Dr. Peter K. Rogan Lab, Western University
No classification provided (evidence only). Condition: Sarcoma. Review status: no classification provided. Collection method: in vitro. Allele origin: not applicable. Functional consequence: retained intron. Not counted in ClinVar's aggregate classification.

Dr. Peter K. Rogan Lab, Western University
No classification provided (evidence only). Condition: Sarcoma. Review status: no classification provided. Collection method: in vitro. Allele origin: not applicable. Functional consequence: retained intron. Not counted in ClinVar's aggregate classification.

Dr. Peter K. Rogan Lab, Western University
No classification provided (evidence only). Condition: Sarcoma. Review status: no classification provided. Collection method: in vitro. Allele origin: not applicable. Functional consequence: retained intron. Not counted in ClinVar's aggregate classification.

Dr. Peter K. Rogan Lab, Western University
No classification provided (evidence only). Condition: Sarcoma. Review status: no classification provided. Collection method: in vitro. Allele origin: not applicable. Functional consequence: retained intron. Not counted in ClinVar's aggregate classification.

Dr. Peter K. Rogan Lab, Western University
No classification provided (evidence only). Condition: Sarcoma. Review status: no classification provided. Collection method: in vitro. Allele origin: not applicable. Functional consequence: retained intron. Not counted in ClinVar's aggregate classification.

Dr. Peter K. Rogan Lab, Western University
No classification provided (evidence only). Condition: Sarcoma. Review status: no classification provided. Collection method: in vitro. Allele origin: not applicable. Functional consequence: retained intron. Not counted in ClinVar's aggregate classification.

Dr. Peter K. Rogan Lab, Western University
No classification provided (evidence only). Condition: Sarcoma. Review status: no classification provided. Collection method: in vitro. Allele origin: not applicable. Functional consequence: retained intron. Not counted in ClinVar's aggregate classification.

Dr. Peter K. Rogan Lab, Western University
No classification provided (evidence only). Condition: Sarcoma. Review status: no classification provided. Collection method: in vitro. Allele origin: not applicable. Functional consequence: retained intron. Not counted in ClinVar's aggregate classification.

Dr. Peter K. Rogan Lab, Western University
No classification provided (evidence only). Condition: Malignant lymphoma, large B-cell, diffuse. Review status: no classification provided. Collection method: in vitro. Allele origin: not applicable. Functional consequence: retained intron. Not counted in ClinVar's aggregate classification.

Dr. Peter K. Rogan Lab, Western University
No classification provided (evidence only). Condition: Malignant lymphoma, large B-cell, diffuse. Review status: no classification provided. Collection method: in vitro. Allele origin: not applicable. Functional consequence: retained intron. Not counted in ClinVar's aggregate classification.

NM_002227.4(JAK1):c.2097C>G (p.Ala699=)

Gene: JAK1 (Janus kinase 1; minus strand). Cytogenetic location: 1p31.3.
Variant type: single nucleotide variant.
Coding change: c.2097C>G on transcript NM_002227.4 (MANE Select); coding-DNA position 2097, C replaced by G.
Protein change: p.Ala699=; no amino-acid change (alanine 699 retained).
Molecular consequence: synonymous variant.
Genome position (GRCh38, 1-based): chr1:64,845,531, G>C on the plus strand (C>G on the coding strand, the complement: JAK1 is on the minus strand). VCF-style: chr1-64845531-G-C. GRCh37 (hg19) VCF-style: chr1-65311214-G-C.
Other names: p.Ala699=; c.2097C>G, p.Ala699= (NM_001320923.2, NM_001321852.2, NM_001321853.2 and 3 more transcripts); c.2094C>G, p.Ala698= (NM_001321857.2); c.2097C>G (NM_002227.3).
Identifiers: ClinVar variation 1166648 (VCV001166648.16), dbSNP rs3737139, ClinGen allele CA892755.
Genomic context (GRCh38, chr1:64,845,531, plus strand): 5'-TGGTTTCTGGTGGGACCATTATGGACATCAGGACATTCTCACCAAGTAGCTCAGGGCACT[G>C]GCCAGCTGTTTGGCAACTTTGAATTTCCATGGTGTGGTAAGGACATCGCTTTTCCGGTGC-3'
Protein context (NP_002218.2, residues 689-709): PWKFKVAKQL[Ala699=]SALSYLEDKD